The following is an entry in ClinVar:

ClinVar aggregate classification (germline): Likely benign. Review status: criteria provided, single submitter (1 of 4 stars). 2 submissions from 2 submitters: Likely benign (1). 1 of the submissions does not count toward it. Last evaluated 2024-01-31.

Conditions:
Hawkinsinuria. Identifiers: Orphanet 2118, MedGen C2931042, MONDO:0007700, OMIM 140350, HP:0034457.
Tyrosinemia type III. Also called: Tyrosinemia type 3; 4-alpha hydroxyphenylpyruvic acid oxidase deficiency; 4-alpha hydroxyphenylpyruvate dioxygenase deficiency; 4-Hydroxyphenylpyruvate dioxygenase deficiency; 4-HYDROXYPHENYLPYRUVIC ACID OXIDASE DEFICIENCY. Identifiers: Orphanet 69723, MedGen C0268623, MONDO:0010162, OMIM 276710.
HPD-related disorder. Also called: HPD-related condition.

Allele frequency attached by ClinVar (database versions not stated): ExAC 0.00001.
gnomAD v4.1: 31 of 1,610,100 alleles (0.0019%); highest among the groups gnomAD compares: South Asian, 0.0022%; no homozygotes.

Submissions (2):

Labcorp Genetics (formerly Invitae), Labcorp
Classification: Likely benign for Tyrosinemia type III; Hawkinsinuria. Last evaluated: 2024-01-31. Review status: criteria provided, single submitter. Criteria: Invitae Variant Classification Sherloc (09022015). Collection method: clinical testing. Allele origin: germline.

PreventionGenetics, part of Exact Sciences
Classification: Likely benign for HPD-related condition. Last evaluated: 2021-07-15. Review status: no assertion criteria provided. Collection method: clinical testing. Allele origin: germline. Not counted in ClinVar's aggregate classification.
Comment: This variant is classified as likely benign based on ACMG/AMP sequence variant interpretation guidelines (Richards et al. 2015 PMID: 25741868, with internal and published modifications).

NM_002150.3(HPD):c.99G>A (p.Thr33=)

Genes: HPD (4-hydroxyphenylpyruvate dioxygenase; minus strand), TIALD (transcript inducer of AURKA lysosomal degradation; plus strand). Cytogenetic location: 12q24.31.
Variant type: single nucleotide variant.
Coding change: c.99G>A on transcript NM_002150.3 (MANE Select); coding-DNA position 99, G replaced by A.
Protein change: p.Thr33=; no amino-acid change (threonine 33 retained).
Molecular consequence: synonymous variant. On other transcripts: 5 prime UTR variant (1).
Genome position (GRCh38, 1-based): chr12:121,857,427, C>T on the plus strand (G>A on the coding strand, the complement: HPD is on the minus strand). VCF-style: chr12-121857427-C-T. GRCh37 (hg19) VCF-style: chr12-122295333-C-T.
Other names: c.-19G>A (NM_001171993.2); c.99G>A (NM_002150.2).
Identifiers: ClinVar variation 2930347 (VCV002930347.5), dbSNP rs760875958, ClinGen allele CA6839812.
Genomic context (GRCh38, chr12:121,857,427, plus strand): 5'-ACCGGTCTCCAGGCCCCTGTAGGCTAGAGGTTCAAAGCCCATCTTGCTGCAGTAGAATGA[C>T]GTGGCCTGAATCACAGGGTTGCAGCAGGGTTCATGAGGGTCAAGGGGCCAGCATGGGGGA-3'
Protein context (NP_002141.2, residues 23-43): TFWVGNAKQA[Thr33=]SFYCSKMGFE